The following is an entry in ClinVar:

ClinVar aggregate classification (germline): Likely benign (1 of 4 stars; one submission).

gnomAD v4.1: 8 of 1,190,018 alleles (0.00067%); no homozygotes.

Submission:

CeGaT Center for Human Genetics Tuebingen
Classification: Likely benign. Last evaluated: 2023-02-01. Review status: criteria provided, single submitter. Criteria: CeGaT Center For Human Genetics Tuebingen Variant Classification Criteria Version 2. Collection method: clinical testing. Allele origin: germline. Affected: yes. Observed: 1 variant allele.
Comment: NRK: BP4, BP7

NM_198465.4(NRK):c.3576C>G (p.Val1192=)

Gene: NRK (Nik related kinase; plus strand). Cytogenetic location: Xq22.3.
Variant type: single nucleotide variant.
Coding change: c.3576C>G on transcript NM_198465.4 (MANE Select); coding-DNA position 3576, C replaced by G.
Protein change: p.Val1192=; no amino-acid change (valine 1192 retained).
Molecular consequence: synonymous variant.
Genome position (GRCh38, 1-based): chrX:105,935,246, C>G. VCF-style: chrX-105935246-C-G. GRCh37 (hg19) VCF-style: chrX-105179238-C-G.
Identifiers: ClinVar variation 2661128 (VCV002661128.24), dbSNP rs1294120667, ClinGen allele CA517915259.